The following is an entry in ClinVar:

NM_022489.4(INF2):c.2641G>A (p.Glu881Lys)

Gene: INF2 (inverted formin 2; plus strand). Cytogenetic location: 14q32.33.
Variant type: single nucleotide variant.
Coding change: c.2641G>A on transcript NM_022489.4 (MANE Select); coding-DNA position 2641, G replaced by A.
Protein change: p.Glu881Lys; replaces glutamic acid 881 with lysine.
Molecular consequence: missense variant.
Genome position (GRCh38, 1-based): chr14:104,712,858, G>A. VCF-style: chr14-104712858-G-A. GRCh37 (hg19) VCF-style: chr14-105179195-G-A.
Other names: c.2641G>A, p.Glu881Lys (NM_001031714.4); short protein forms E881K.
Identifiers: ClinVar variation 472844 (VCV000472844.5), dbSNP rs1314746427, ClinGen allele CA391222180.
Genomic context (GRCh38, chr14:104,712,858, plus strand): 5'-CACGGGACTGTCACGTGCCCTTGCCCCCAGGCCAGCATCTCGGCCTTCCGGGCACTGGAT[G>A]AGCTGTTTGAGGCCATCGAGCAGAAGCAACGGGAGCTGGCCGACTACCTGTGTGAGGACG-3'
Protein context (NP_071934.3, residues 871-891): ASISAFRALD[Glu881Lys]LFEAIEQKQR

ClinVar aggregate classification (germline): Uncertain significance (1 of 4 stars; one submission).

Conditions:
Focal segmental glomerulosclerosis 5 (FSGS5). Identifiers: Orphanet 656, MedGen C2750475, MONDO:0013191, OMIM 613237.
Charcot-Marie-Tooth disease dominant intermediate E. Also called: CHARCOT-MARIE-TOOTH NEUROPATHY WITH FOCAL SEGMENTAL GLOMERULONEPHRITIS. Identifiers: Orphanet 93114, MedGen C4302667, MONDO:0013758, OMIM 614455.

Allele frequency attached by ClinVar (database versions not stated): gnomAD exomes 0.00001.
gnomAD v4.1: 4 of 1,612,398 alleles (0.00025%); highest among the groups gnomAD compares: East Asian, 0.0045%; no homozygotes.

Submission:

Labcorp Genetics (formerly Invitae), Labcorp
Classification: Uncertain significance for Charcot-Marie-Tooth disease dominant intermediate E; Focal segmental glomerulosclerosis 5. Last evaluated: 2022-06-27. Review status: criteria provided, single submitter. Criteria: Invitae Variant Classification Sherloc (09022015). Collection method: clinical testing. Allele origin: germline.
Comment: In summary, the available evidence is currently insufficient to determine the role of this variant in disease. Therefore, it has been classified as a Variant of Uncertain Significance. Experimental studies and prediction algorithms are not available or were not evaluated, and the functional significance of this variant is currently unknown. This variant has not been reported in the literature in individuals affected with INF2-related conditions. Information on the frequency of this variant in the gnomAD database is not available, as this variant may be reported differently in the database. This sequence change replaces glutamic acid, which is acidic and polar, with lysine, which is basic and polar, at codon 881 of the INF2 protein (p.Glu881Lys).